The following is an entry in ClinVar:

ClinVar aggregate classification (germline): Pathogenic (1 of 4 stars; one submission).

Conditions:
Legius syndrome. Identifiers: Orphanet 137605, MedGen C1969623, MONDO:0012669, OMIM 611431. Disease mechanism: loss of function.

Submission:

Labcorp Genetics (formerly Invitae), Labcorp
Classification: Pathogenic for Legius syndrome. Last evaluated: 2020-05-06. Review status: criteria provided, single submitter. Criteria: Invitae Variant Classification Sherloc (09022015). Collection method: clinical testing. Allele origin: germline.
Comment: For these reasons, this variant has been classified as Pathogenic. This variant disrupts the C-terminus of the SPRED1 protein. Other variant(s) that disrupt this region (p.Gly385Ilefs*20) have been determined to be pathogenic (PMID: 19920235, 19443465, 21089071, 17704776). This suggests that variants that disrupt this region of the protein are likely to be causative of disease. This variant has not been reported in the literature in individuals with SPRED1-related conditions. This variant is not present in population databases (ExAC no frequency). This sequence change results in a premature translational stop signal in the SPRED1 gene (p.Tyr261*). While this is not anticipated to result in nonsense mediated decay, it is expected to disrupt the last 184 amino acids of the SPRED1 protein.

Literature cited by the submitters: PubMed 19920235; PubMed 19443465; PubMed 21089071; PubMed 17704776.

NM_152594.3(SPRED1):c.783C>A (p.Tyr261Ter)

Gene: SPRED1 (sprouty related EVH1 domain containing 1; plus strand). Cytogenetic location: 15q14.
Variant type: single nucleotide variant.
Coding change: c.783C>A on transcript NM_152594.3 (MANE Select); coding-DNA position 783, C replaced by A.
Protein change: p.Tyr261Ter; replaces tyrosine 261 with a stop codon.
Molecular consequence: nonsense.
Genome position (GRCh38, 1-based): chr15:38,351,112, C>A. VCF-style: chr15-38351112-C-A. GRCh37 (hg19) VCF-style: chr15-38643313-C-A.
Other names: short protein forms Y261*.
Identifiers: ClinVar variation 1075013 (VCV001075013.9), dbSNP rs1888473716, ClinGen allele CA391933231.